The following is an entry in ClinVar:

NM_015910.7(WDPCP):c.21G>C (p.Trp7Cys)

Gene: WDPCP (WD repeat containing planar cell polarity effector; minus strand). Cytogenetic location: 2p15.
Variant type: single nucleotide variant.
Coding change: c.21G>C on transcript NM_015910.7 (MANE Select); coding-DNA position 21, G replaced by C.
Protein change: p.Trp7Cys; replaces tryptophan 7 with cysteine.
Molecular consequence: missense variant. On other transcripts: 5 prime UTR variant (1), non-coding transcript variant (2).
Genome position (GRCh38, 1-based): chr2:63,588,251, C>G on the plus strand (G>C on the coding strand, the complement: WDPCP is on the minus strand). VCF-style: chr2-63588251-C-G. GRCh37 (hg19) VCF-style: chr2-63815385-C-G.
Other names: c.-304G>C (NM_001354044.2); c.21G>C, p.Trp7Cys (NM_001354045.2); c.21G>C (NM_015910.5); short protein forms W7C.
Identifiers: ClinVar variation 1060983 (VCV001060983.8), dbSNP rs1200911623, ClinGen allele CA347066622.

ClinVar aggregate classification (germline): Uncertain significance. Review status: criteria provided, multiple submitters, no conflicts (2 of 4 stars). 2 submissions from 2 submitters: Uncertain significance (2). Last evaluated 2025-05-05.

Conditions:
Bardet-Biedl syndrome (BBS). Identifiers: Orphanet 110, MedGen C0752166, MONDO:0015229.
Inborn genetic diseases. Identifiers: MedGen C0950123, MeSH D030342.

Allele frequency attached by ClinVar (database versions not stated): gnomAD 0.00001; gnomAD exomes 0.00001; TOPMed 0.00002.
gnomAD v4.1: 16 of 1,577,238 alleles (0.001%); highest among the groups gnomAD compares: Non-Finnish European, 0.0014%; no homozygotes.

Submissions (2):

Ambry Genetics
Classification: Uncertain significance for Inborn genetic diseases. Last evaluated: 2025-05-05. Review status: criteria provided, single submitter. Criteria: Ambry Variant Classification Scheme 2023. Collection method: clinical testing. Allele origin: germline.

Labcorp Genetics (formerly Invitae), Labcorp
Classification: Uncertain significance for Bardet-Biedl syndrome. Last evaluated: 2023-12-11. Review status: criteria provided, single submitter. Criteria: Invitae Variant Classification Sherloc (09022015). Collection method: clinical testing. Allele origin: germline.
Comment: This sequence change replaces tryptophan, which is neutral and slightly polar, with cysteine, which is neutral and slightly polar, at codon 7 of the WDPCP protein (p.Trp7Cys). This variant is present in population databases (no rsID available, gnomAD 0.001%). This variant has not been reported in the literature in individuals affected with WDPCP-related conditions. ClinVar contains an entry for this variant (Variation ID: 1060983). An algorithm developed to predict the effect of missense changes on protein structure and function (PolyPhen-2) suggests that this variant¬†is likely to be tolerated. In summary, the available evidence is currently insufficient to determine the role of this variant in disease. Therefore, it has been classified as a Variant of Uncertain Significance.